The following is an entry in ClinVar:

NM_001927.4(DES):c.466GAG[2] (p.Glu158del)

Gene: DES (desmin; plus strand). Cytogenetic location: 2q35.
Variant type: Microsatellite.
Coding change: c.466GAG[2] on transcript NM_001927.4 (MANE Select); two copies in a row of the 3-base unit GAG starting at c.466; the reference has three copies in a row; one copy, 3 bases deleted.
Protein change: p.Glu158del; deletes glutamic acid 158.
Molecular consequence: inframe deletion.
Genome position (GRCh38, 1-based): chr2:219,418,934-219,418,936, GAG deleted; deleting any 3 consecutive bases within chr2:219,418,928-219,418,936 gives the same sequence; the position shown is the placement nearest the transcript's 3' end. VCF-style (leftmost placement, unchanged base first): chr2-219418927-CGAG-C. GRCh37 (hg19) VCF-style: chr2-220283649-CGAG-C.
Other names: c.466GAG[2], p.Glu158del (NM_001382708.1, NM_001382709.1, NM_001382710.1 and 3 more transcripts); short protein forms E158del.
Identifiers: ClinVar variation 2936761 (VCV002936761.3), dbSNP rs1954377989, ClinGen allele CA1329210090.

ClinVar aggregate classification (germline): Uncertain significance (1 of 4 stars; one submission).

Conditions:
Desmin-related myofibrillar myopathy (MFM1). Also called: Desminopathy; Desmin related myopathy (former name); Desmin storage myopathy (former name); MYOFIBRILLAR MYOPATHY WITH ARRHYTHMOGENIC RIGHT VENTRICULAR CARDIOMYOPATHY; DESMIN-RELATED MYOPATHY WITH ARRHYTHMOGENIC RIGHT VENTRICULAR CARDIOMYOPATHY; Myofibrillar myopathy 1. Identifiers: Orphanet 363543, Orphanet 98909, MedGen C1832370, MONDO:0011076, OMIM 601419.

Submission:

Labcorp Genetics (formerly Invitae), Labcorp
Classification: Uncertain significance for Desmin-related myofibrillar myopathy. Last evaluated: 2024-04-29. Review status: criteria provided, single submitter. Criteria: Invitae Variant Classification Sherloc (09022015). Collection method: clinical testing. Allele origin: germline.
Comment: This variant, c.472_474del, results in the deletion of 1 amino acid(s) of the DES protein (p.Glu158del), but otherwise preserves the integrity of the reading frame. This variant is not present in population databases (gnomAD no frequency). This variant has not been reported in the literature in individuals affected with DES-related conditions. Experimental studies and prediction algorithms are not available or were not evaluated, and the functional significance of this variant is currently unknown. In summary, the available evidence is currently insufficient to determine the role of this variant in disease. Therefore, it has been classified as a Variant of Uncertain Significance.